The following is an entry in ClinVar:

NM_021930.6(RINT1):c.898C>T (p.Pro300Ser)

Gene: RINT1 (RAD50 interactor 1; plus strand). Cytogenetic location: 7q22.3.
Variant type: single nucleotide variant.
Coding change: c.898C>T on transcript NM_021930.6 (MANE Select); coding-DNA position 898, C replaced by T.
Protein change: p.Pro300Ser; replaces proline 300 with serine.
Molecular consequence: missense variant. On other transcripts: 5 prime UTR variant (2), non-coding transcript variant (1), intron variant (1).
Genome position (GRCh38, 1-based): chr7:105,548,612, C>T. VCF-style: chr7-105548612-C-T. GRCh37 (hg19) VCF-style: chr7-105189059-C-T.
Other names: c.664C>T, p.Pro222Ser (NM_001346599.2); c.-122C>T (NM_001346600.2); c.-27C>T (NM_001346601.2); c.-27-1443C>T (NM_001346603.2); short protein forms P222S, P300S.
Identifiers: ClinVar variation 3227671 (VCV003227671.1), dbSNP rs773454248, ClinGen allele CA368807939.

ClinVar aggregate classification (germline): Uncertain significance (1 of 4 stars; one submission).

Submission:

Ambry Genetics
Classification: Uncertain significance. Last evaluated: 2024-01-01. Review status: criteria provided, single submitter. Criteria: Ambry Variant Classification Scheme 2023. Collection method: clinical testing. Allele origin: germline.
Comment: The p.P300S variant (also known as c.898C>T), located in coding exon 7 of the RINT1 gene, results from a C to T substitution at nucleotide position 898. The proline at codon 300 is replaced by serine, an amino acid with similar properties. This amino acid position is conserved. In addition, this alteration is predicted to be tolerated by in silico analysis. Since supporting evidence is limited at this time, the clinical significance of this alteration remains unclear.